The following is an entry in ClinVar:

ClinVar aggregate classification (germline): Pathogenic (1 of 4 stars; one submission).

Submission:

Labcorp Genetics (formerly Invitae), Labcorp
Classification: Pathogenic. Last evaluated: 2025-03-09. Review status: criteria provided, single submitter. Criteria: Invitae Variant Classification Sherloc (09022015). Collection method: clinical testing. Allele origin: germline.
Comment: This sequence change creates a premature translational stop signal (p.Leu150Ilefs*5) in the ATR gene. It is expected to result in an absent or disrupted protein product. Loss-of-function variants in ATR are known to be pathogenic (PMID: 21228398, 23144622). This variant is not present in population databases (gnomAD no frequency). This variant has not been reported in the literature in individuals affected with ATR-related conditions. Algorithms developed to predict the effect of sequence changes on RNA splicing suggest that this variant may disrupt the consensus splice site. For these reasons, this variant has been classified as Pathogenic.

Literature cited by the submitters: PubMed 21228398; PubMed 23144622.

NM_001184.4(ATR):c.447dup (p.Leu150fs)

Gene: ATR (ATR checkpoint kinase; minus strand). Cytogenetic location: 3q23.
Variant type: Duplication.
Coding change: c.447dup on transcript NM_001184.4 (MANE Select); coding-DNA position 447, one base duplicated (A; older notation c.447dupA).
Protein change: p.Leu150fs; shifts the reading frame from leucine 150.
Molecular consequence: frameshift variant.
Genome position (GRCh38, 1-based): chr3:142,562,955, T duplicated on the plus strand (A on the coding strand, the reverse complement: ATR is on the minus strand). VCF-style (leftmost placement, unchanged base first): chr3-142562954-A-AT. GRCh37 (hg19) VCF-style: chr3-142281796-A-AT.
Other names: c.447dup, p.Leu150fs (NM_001354579.2); short protein forms L150fs.
Identifiers: ClinVar variation 4799295 (VCV004799295.1).
Genomic context (GRCh38, chr3:142,562,954, plus strand): 5'-CCACAGCATGACCCATCACATTTCTTCTATGGAGGTAAACCAAGTCTTCAAAAAGTTGTA[A>AT]TAATTCTTTTGTGAGTACCCCAAAAATAGCAGGACTCTTGCTTTTAAAAAGAAATAATAA-3'